The following is an entry in ClinVar:

ClinVar aggregate classification (germline): Conflicting classifications of pathogenicity. Review status: criteria provided, conflicting classifications (1 of 4 stars). 6 submissions from 5 submitters: Uncertain significance (2); Benign (1); Likely benign (3). Last evaluated 2025-12-10.

Conditions:
Hereditary cancer-predisposing syndrome. Also called: Neoplastic Syndromes, Hereditary; Hereditary Cancer Syndrome; Tumor predisposition; Hereditary neoplastic syndrome. Identifiers: Orphanet 140162, MedGen C0027672, MeSH D009386, MONDO:0015356.
Cardiovascular phenotype. Identifiers: MedGen CN230736.
Neurofibromatosis, type 1 (NF1). Also called: VON RECKLINGHAUSEN DISEASE; Peripheral type neurofibromatosis; NEUROFIBROMATOSIS, TYPE I, SOMATIC; Neurofibromatosis, type I. Identifiers: Orphanet 636, MedGen C0027831, MONDO:0018975, OMIM 162200. Disease mechanism: loss of function.

Allele frequency attached by ClinVar (database versions not stated): gnomAD 0.00001; TOPMed 0.00002; ESP Exome Variant Server 0.00008.
gnomAD v4.1: 18 of 1,613,872 alleles (0.0011%); highest among the groups gnomAD compares: Non-Finnish European, 0.0015%; no homozygotes.

Submissions (6):

Labcorp Genetics (formerly Invitae), Labcorp
Classification: Benign for Neurofibromatosis, type 1. Last evaluated: 2025-12-10. Review status: criteria provided, single submitter. Criteria: Invitae Variant Classification Sherloc (09022015). Collection method: clinical testing. Allele origin: germline.

Blueprint Genetics
Classification: Likely benign. Last evaluated: 2022-07-17. Review status: criteria provided, single submitter. Criteria: ACMG Guidelines, 2015. Collection method: clinical testing. Allele origin: germline.

GeneDx
Classification: Likely benign. Last evaluated: 2021-01-28. Review status: criteria provided, single submitter. Criteria: GeneDx Variant Classification Process June 2021. Collection method: clinical testing. Allele origin: germline. Affected: yes.
Comment: In silico analysis, which includes protein predictors and evolutionary conservation, supports that this variant does not alter protein structure/function; Has not been previously published as pathogenic or benign to our knowledge

Ambry Genetics
Classification: Likely benign for Cardiovascular phenotype; Hereditary cancer-predisposing syndrome. Last evaluated: 2020-11-23. Review status: criteria provided, single submitter. Criteria: Ambry Variant Classification Scheme 2023. Collection method: clinical testing. Allele origin: germline.

ARUP Laboratories, Molecular Genetics and Genomics, ARUP Laboratories
Classification: Uncertain significance. Last evaluated: 2020-08-18. Review status: criteria provided, single submitter. Criteria: ARUP Molecular Germline Variant Investigation Process. Collection method: clinical testing. Allele origin: germline.
Comment: The NF1 c.475A>G; p.Thr159Ala variant (rs371192107), to our knowledge, is not reported in the medical literature but is reported in ClinVar (Variation ID: 142741). This variant is found on only six chromosomes (6/251220 alleles) in the Genome Aggregation Database. The threonine at codon 159 is moderately conserved, and computational analyses (SIFT, PolyPhen-2) predict that this variant is tolerated. However, given the lack of clinical and functional data, the significance of the p.Thr159Ala variant is uncertain at this time.

Ambry Genetics
Classification: Uncertain significance for Hereditary cancer-predisposing syndrome. Last evaluated: 2014-04-02. Review status: criteria provided, single submitter. Criteria: Ambry Autosomal Dominant and X-Linked criteria (10/2015). Collection method: clinical testing. Allele origin: germline. Observed: 1 variant allele.
Comment: The p.T159A variant (also known as c.475A>G), located in coding exon 4 of the NF1 gene, results from an A to G substitution at nucleotide position 475. The threonine at codon 159 is replaced by alanine, an amino acid with similar properties. Based on data from the NHLBI Exome Sequencing Project (ESP), the G allele has an overall frequency of approximately 0.01% (1/13006) total alleles studied and 0.01% (1/8600) European American alleles. To date, this alteration has been detected with an allele frequency of approximately 0.002% (greater than 110000 alleles tested) in our clinical cohort. This amino acid position is highly conserved in available vertebrate species. However, this alteration is predicted to be benign and tolerated by PolyPhen and SIFT in silico analyses, respectively. Since supporting evidence is limited at this time, the clinical significance of p.T159A remains unclear.

NM_001042492.3(NF1):c.475A>G (p.Thr159Ala)

Gene: NF1 (neurofibromin 1; plus strand). Cytogenetic location: 17q11.2.
Variant type: single nucleotide variant.
Coding change: c.475A>G on transcript NM_001042492.3 (MANE Select); coding-DNA position 475, A replaced by G.
Protein change: p.Thr159Ala; replaces threonine 159 with alanine.
Molecular consequence: missense variant.
Genome position (GRCh38, 1-based): chr17:31,163,372, A>G. VCF-style: chr17-31163372-A-G. GRCh37 (hg19) VCF-style: chr17-29490390-A-G.
Other names: c.475A>G, p.Thr159Ala (NM_000267.4, NM_001128147.3); short protein forms T159A.
Identifiers: ClinVar variation 142741 (VCV000142741.23), dbSNP rs371192107, ClinGen allele CA169283.